The following is an entry in ClinVar:

ClinVar aggregate classification (germline): Pathogenic. Review status: criteria provided, multiple submitters, no conflicts (2 of 4 stars). 8 submissions from 8 submitters: Pathogenic (6). 2 of the submissions do not count toward it. Last evaluated 2025-09-15.

Conditions:
GM1 gangliosidosis. Identifiers: Orphanet 354, MedGen C0085131, MONDO:0018149.
Mucopolysaccharidosis, MPS-IV-B (MPS4B). Also called: MORQUIO SYNDROME B; Mucopolysaccharidosis Type IVB; Mucopolysaccharidosis type IV B; Mucopolysaccharidosis type 4B; Mucopolysaccharidosis Type IVB (Morquio B Disease); Mucopolysaccharidosis type IVB (Morquio). Identifiers: Orphanet 309310, Orphanet 582, MedGen C0086652, MONDO:0009660, OMIM 253010.
GM1 gangliosidosis type 3. Also called: GM1-GANGLIOSIDOSIS, TYPE III; GANGLIOSIDOSIS, GENERALIZED GM1, ADULT TYPE; GANGLIOSIDOSIS, GENERALIZED GM1, CHRONIC TYPE; GANGLIOSIDOSIS, GENERALIZED GM1, TYPE III; Beta-galactosidase deficiency; Adult GM1 gangliosidosis. Identifiers: Orphanet 79257, MedGen C0268273, MONDO:0009262, OMIM 230650.
Infantile GM1 gangliosidosis. Also called: Gangliosidosis, Generalized GM1, Type 1; GM1-gangliosidosis, type I; Gangliosidosis, generalized GM1, infantile form; GLB1 deficiency; GM1 gangliosidosis type 1. Identifiers: Orphanet 354, Orphanet 79255, MedGen C0268271, MONDO:0009260, OMIM 230500.
GM1 gangliosidosis type 2. Also called: GM1-GANGLIOSIDOSIS, TYPE II; GANGLIOSIDOSIS, GENERALIZED GM1, JUVENILE TYPE; GANGLIOSIDOSIS, GENERALIZED GM1, TYPE II; Juvenile GM>1< gangliosidosis; Gangliosidosis, Generalized GM1, Type 2. Identifiers: Orphanet 354, Orphanet 79256, MedGen C0268272, MONDO:0009261, OMIM 230600.

Allele frequency attached by ClinVar (database versions not stated): ExAC 0.00001; gnomAD 0.00001; gnomAD exomes 0.00001; TOPMed 0.00001.
gnomAD v4.1: 13 of 1,612,972 alleles (0.00081%); highest among the groups gnomAD compares: Middle Eastern, 0.019%; no homozygotes.

Submissions (9):

Natera, Inc.
Classification: Pathogenic for Mucopolysaccharidosis, MPS-IV-B. Last evaluated: 2025-09-15. Review status: criteria provided, single submitter. Criteria: Natera Variant Classification Schema (03/2026). Collection method: clinical testing. Allele origin: germline.
Comment: The c.245+1G>A variant in GLB1 is a canonical splice donor site variant predicted to affect pre-mRNA splicing, which may result in an abnormal transcript and altered protein product. This variant is expected to result in nonsense mediated decay, truncation, or a dysfunctional protein product. This variant is rare in the general population with a frequency below the threshold expected for the associated phenotype(s). This variant has been observed in one or more individuals affected with the associated recessive disease, as either homozygous or compound heterozygous with a second variant (PMID: 20175788, 17221873, 16941474). Functional studies show that this variant may disrupt protein function (PMID: 17221873). Given the available evidence, this variant is classified as Pathogenic.

Labcorp Genetics (formerly Invitae), Labcorp
Classification: Pathogenic for Mucopolysaccharidosis, MPS-IV-B; GM1 gangliosidosis. Last evaluated: 2025-06-12. Review status: criteria provided, single submitter. Criteria: Invitae Variant Classification Sherloc (09022015). Collection method: clinical testing. Allele origin: germline.
Comment: This sequence change affects a donor splice site in intron 2 of the GLB1 gene. RNA analysis indicates that disruption of this splice site induces altered splicing and may result in an absent or altered protein product. This variant is present in population databases (rs778423653, gnomAD 0.005%). Disruption of this splice site has been observed in individuals with GM1-gangliosidosis (PMID: 15365997, 16941474, 17221873). ClinVar contains an entry for this variant (Variation ID: 417873). Studies have shown that disruption of this splice site results in skipping of exon 2, and produces a non-functional protein and/or introduces a premature termination codon (PMID: 17221873). For these reasons, this variant has been classified as Pathogenic.

Department of Genetics, Rouen University Hospital, Normandy Center for Genomic and Personalized Medicine
Classification: Pathogenic for Infantile GM1 gangliosidosis. Last evaluated: 2025-03-27. Review status: criteria provided, single submitter. Criteria: ACMG Guidelines, 2015. Collection method: clinical testing. Allele origin: paternal. Affected: yes.

GeneDx
Classification: Pathogenic. Last evaluated: 2023-12-10. Review status: criteria provided, single submitter. Criteria: GeneDx Variant Classification Process June 2021. Collection method: clinical testing. Allele origin: germline. Affected: yes.
Comment: Canonical splice site variant predicted to result in a null allele in a gene for which loss of function is a known mechanism of disease; Not observed at significant frequency in large population cohorts (gnomAD); This variant is associated with the following publications: (PMID: 25525159, 33737400, 15365997, 17221873, 18184943, 16941474)

Fulgent Genetics
Classification: Pathogenic for Infantile GM1 gangliosidosis; GM1 gangliosidosis type 2; GM1 gangliosidosis type 3; Mucopolysaccharidosis, MPS-IV-B. Last evaluated: 2021-08-10. Review status: criteria provided, single submitter. Criteria: ACMG Guidelines, 2015. Collection method: clinical testing. Allele origin: unknown.

Women's Health and Genetics/Laboratory Corporation of America, LabCorp
Classification: Pathogenic for GM1 gangliosidosis. Last evaluated: 2020-03-30. Review status: criteria provided, single submitter. Criteria: LabCorp Variant Classification Summary - May 2015. Collection method: clinical testing. Allele origin: germline.
Comment: Variant summary: GLB1 c.245+1G>A is located in a canonical splice-site and is predicted to affect mRNA splicing resulting in a significantly altered protein due to either exon skipping, shortening, or inclusion of intronic material. Several computational tools predict a significant impact on normal splicing: Four predict the variant abolishes a 5 splicing donor site. Experimental evidence supports these predictions demonstrating the variant gives rise to at least one aberrant transcript skipping exon 2 and leading to a premature termination codon (Caciotti_2007). The variant allele was found at a frequency of 8e-06 in 249272 control chromosomes (gnomAD). c.245+1G>A has been reported in the literature, in homozygous or compound heterozygous state, in multiple individuals affected with GM1 gangliosidosis (e.g. Caciotti_2007, Georgiou_2004, Hofer_2010, Santamaria_2006). These data indicate that the variant is very likely to be associated with disease. Testing of cells from homozygous patients revealed reduced (or absent) levels of both GLB1 and EBP mRNA expression and absent (0%) beta-Gal enzyme activity (e.g. Caciotti_2007, Hofer_2010). Three ClinVar submitters (evaluation after 2014) cite the variant as pathogenic/likely pathogenic. Based on the evidence outlined above, the variant was classified as pathogenic.

Counsyl
Classification: Pathogenic for Infantile GM1 gangliosidosis; GM1 gangliosidosis type 2; GM1 gangliosidosis type 3; Mucopolysaccharidosis, MPS-IV-B. Last evaluated: 2017-09-06. Review status: no assertion criteria provided. Collection method: clinical testing. Allele origin: unknown. Not counted in ClinVar's aggregate classification.

Division of Human Genetics, Children's Hospital of Philadelphia
Classification: Likely pathogenic for GM1 gangliosidosis type 3; GM1 gangliosidosis type 2; Infantile GM1 gangliosidosis; Mucopolysaccharidosis, MPS-IV-B. Last evaluated: 2016-12-12. Review status: no assertion criteria provided. Collection method: research. Allele origin: paternal. Affected: yes. Study: CSER-PediSeq. Not counted in ClinVar's aggregate classification.

Dr. Peter K. Rogan Lab, Western University
No classification provided (evidence only). Condition: Colon adenocarcinoma. Review status: no classification provided. Collection method: in vitro. Allele origin: not applicable. Functional consequence: skipped exon. Not counted in ClinVar's aggregate classification.

Literature cited by the submitters: PubMed 20175788 (cited by Natera, Inc. and Women's Health and Genetics/Laboratory Corporation of America, LabCorp); PubMed 17221873 (cited by 4 submitters); PubMed 16941474 (cited by 4 submitters); PubMed 15365997 (cited by Labcorp Genetics (formerly Invitae), Labcorp and Women's Health and Genetics/Laboratory Corporation of America, LabCorp).

NM_000404.4(GLB1):c.245+1G>A

Gene: GLB1 (galactosidase beta 1; minus strand). Cytogenetic location: 3p22.3.
Variant type: single nucleotide variant.
Coding change: c.245+1G>A on transcript NM_000404.4 (MANE Select); the canonical splice donor site of the intron after coding-DNA position 245, G replaced by A.
Molecular consequence: splice donor variant.
Genome position (GRCh38, 1-based): chr3:33,072,543, C>T on the plus strand (G>A on the coding strand, the complement: GLB1 is on the minus strand). VCF-style: chr3-33072543-C-T. GRCh37 (hg19) VCF-style: chr3-33114035-C-T.
Other names: c.245+1G>A (NM_001393580.1, NM_001135602.3); c.389+1G>A (NM_001317040.2); c.155+1G>A (NM_001079811.3).
Identifiers: ClinVar variation 417873 (VCV000417873.13), dbSNP rs778423653, ClinGen allele CA2299763.
Genomic context (GRCh38, chr3:33,072,543, plus strand): 5'-GTATCTTCTCTCCAGAGTGGGTGTTCAGGCCTAGGTGAGAGCCACATGCCCTCCTACTTA[C>T]GTCTGGATGGCGTTCAGCCCAGCCATCTTCATCTTCAGCAGCCGGTCCTTCCAGTAGAAG-3'